The following is an entry in ClinVar:

ClinVar aggregate classification (germline): Uncertain significance (1 of 4 stars; one submission).

Allele frequency attached by ClinVar (database versions not stated): gnomAD 0.00001; gnomAD exomes 0.00001.
gnomAD v4.1: 9 of 1,612,984 alleles (0.00056%); highest among the groups gnomAD compares: South Asian, 0.0077%; no homozygotes.

Submission:

Labcorp Genetics (formerly Invitae), Labcorp
Classification: Uncertain significance. Last evaluated: 2023-05-15. Review status: criteria provided, single submitter. Criteria: Invitae Variant Classification Sherloc (09022015). Collection method: clinical testing. Allele origin: germline.
Comment: In summary, the available evidence is currently insufficient to determine the role of this variant in disease. Therefore, it has been classified as a Variant of Uncertain Significance. Algorithms developed to predict the effect of missense changes on protein structure and function output the following: SIFT: "Not Available"; PolyPhen-2: "Benign"; Align-GVGD: "Not Available". The serine amino acid residue is found in multiple mammalian species, which suggests that this missense change does not adversely affect protein function. ClinVar contains an entry for this variant (Variation ID: 1503431). This variant has not been reported in the literature in individuals affected with IARS2-related conditions. This variant is present in population databases (rs758566597, gnomAD 0.007%). This sequence change replaces asparagine, which is neutral and polar, with serine, which is neutral and polar, at codon 409 of the IARS2 protein (p.Asn409Ser).

NM_018060.4(IARS2):c.1226A>G (p.Asn409Ser)

Gene: IARS2 (isoleucyl-tRNA synthetase 2, mitochondrial; plus strand). Cytogenetic location: 1q41.
Variant type: single nucleotide variant.
Coding change: c.1226A>G on transcript NM_018060.4 (MANE Select); coding-DNA position 1226, A replaced by G.
Protein change: p.Asn409Ser; replaces asparagine 409 with serine.
Molecular consequence: missense variant.
Genome position (GRCh38, 1-based): chr1:220,106,050, A>G. VCF-style: chr1-220106050-A-G. GRCh37 (hg19) VCF-style: chr1-220279392-A-G.
Other names: short protein forms N409S.
Identifiers: ClinVar variation 1503431 (VCV001503431.6), dbSNP rs758566597, ClinGen allele CA1401350.
Genomic context (GRCh38, chr1:220,106,050, plus strand): 5'-GATTGGTTCACACAGCCCCAGCTCATGGTATGGAAGACTACGGTGTAGCGTCTCAGCACA[A>G]CCTGCCCATGGTACTGTTCCTCTTTTATCATTTTTAATTATTCATCTTAATAAAAGGAAA-3'
Protein context (NP_060530.3, residues 399-419): MEDYGVASQH[Asn409Ser]LPMDCLVDED